The following is an entry in ClinVar:

ClinVar aggregate classification (germline): Pathogenic/Likely pathogenic. Review status: criteria provided, multiple submitters, no conflicts (2 of 4 stars). 3 submissions from 3 submitters: Pathogenic (1); Likely pathogenic (2). Last evaluated 2023-06-06.

Conditions:
Bardet-Biedl syndrome 10 (BBS10). Identifiers: Orphanet 110, MedGen C1859568, MONDO:0014438, OMIM 615987.
Bardet-Biedl syndrome (BBS). Identifiers: Orphanet 110, MedGen C0752166, MONDO:0015229.

gnomAD v4.1: 4 of 1,613,516 alleles (0.00025%); highest among the groups gnomAD compares: Non-Finnish European, 0.00034%; no homozygotes.

Submissions (3):

Baylor Genetics
Classification: Likely pathogenic for Bardet-Biedl syndrome 10. Last evaluated: 2023-06-06. Review status: criteria provided, single submitter. Criteria: ACMG Guidelines, 2015. Collection method: clinical testing. Allele origin: unknown.

Women's Health and Genetics/Laboratory Corporation of America, LabCorp
Classification: Likely pathogenic for Bardet-Biedl syndrome. Last evaluated: 2022-08-29. Review status: criteria provided, single submitter. Criteria: LabCorp Variant Classification Summary - May 2015. Collection method: clinical testing. Allele origin: germline.
Comment: Variant summary: BBS10 c.473C>A (p.Ser158X) results in a premature termination codon, predicted to cause a truncation of the encoded protein or absence of the protein due to nonsense mediated decay, which are commonly known mechanisms for disease. Truncations downstream of this position have been classified as pathogenic by our laboratory and also observed in the HGMD database. The variant was absent in 249668 control chromosomes. c.473C>A has been reported in the literature in one compound heterozygous individual affected with Bardet-Biedl Syndrome (Feuillan_2011). To our knowledge, no experimental evidence demonstrating an impact on protein function has been reported. One clinical diagnostic laboratory has submitted clinical-significance assessments for this variant to ClinVar and classified the variant as pathogenic. Based on the evidence outlined above, the variant was classified as likely pathogenic.

Labcorp Genetics (formerly Invitae), Labcorp
Classification: Pathogenic for Bardet-Biedl syndrome. Last evaluated: 2021-11-03. Review status: criteria provided, single submitter. Criteria: Invitae Variant Classification Sherloc (09022015). Collection method: clinical testing. Allele origin: germline.
Comment: For these reasons, this variant has been classified as Pathogenic. This variant disrupts a region of the BBS10 protein in which other variant(s) (p.Val707*) have been determined to be pathogenic (PMID: 20472660, 22773737, 25982971, 27486776). This suggests that this is a clinically significant region of the protein, and that variants that disrupt it are likely to be disease-causing. Algorithms developed to predict the effect of sequence changes on RNA splicing suggest that this variant may create or strengthen a splice site. ClinVar contains an entry for this variant (Variation ID: 853587). This premature translational stop signal has been observed in individual(s) with Bardet-Biedl syndrome (PMID: 21209035). This variant is not present in population databases (gnomAD no frequency). This sequence change creates a premature translational stop signal (p.Ser158*) in the BBS10 gene. While this is not anticipated to result in nonsense mediated decay, it is expected to disrupt the last 566 amino acid(s) of the BBS10 protein.

Literature cited by the submitters: PubMed 21209035 (cited by Women's Health and Genetics/Laboratory Corporation of America, LabCorp and Labcorp Genetics (formerly Invitae), Labcorp); PubMed 20472660 (cited by Labcorp Genetics (formerly Invitae), Labcorp); PubMed 22773737 (cited by Labcorp Genetics (formerly Invitae), Labcorp); PubMed 25982971 (cited by Labcorp Genetics (formerly Invitae), Labcorp); PubMed 27486776 (cited by Labcorp Genetics (formerly Invitae), Labcorp).

NM_024685.4(BBS10):c.473C>A (p.Ser158Ter)

Gene: BBS10 (Bardet-Biedl syndrome 10; minus strand). Cytogenetic location: 12q21.2.
Variant type: single nucleotide variant.
Coding change: c.473C>A on transcript NM_024685.4 (MANE Select); coding-DNA position 473, C replaced by A.
Protein change: p.Ser158Ter; replaces serine 158 with a stop codon.
Molecular consequence: nonsense.
Genome position (GRCh38, 1-based): chr12:76,347,512, G>T on the plus strand (C>A on the coding strand, the complement: BBS10 is on the minus strand). VCF-style: chr12-76347512-G-T. GRCh37 (hg19) VCF-style: chr12-76741292-G-T.
Other names: short protein forms S158*.
Identifiers: ClinVar variation 853587 (VCV000853587.9), dbSNP rs553291328, ClinGen allele CA6694333.